The following is an entry in ClinVar:

NM_000057.4(BLM):c.1284G>A (p.Trp428Ter)

Gene: BLM (BLM RecQ like helicase; plus strand). Cytogenetic location: 15q26.1.
Variant type: single nucleotide variant.
Coding change: c.1284G>A on transcript NM_000057.4 (MANE Select); coding-DNA position 1284, G replaced by A.
Protein change: p.Trp428Ter; replaces tryptophan 428 with a stop codon.
Molecular consequence: nonsense.
Genome position (GRCh38, 1-based): chr15:90,760,657, G>A. VCF-style: chr15-90760657-G-A. GRCh37 (hg19) VCF-style: chr15-91303887-G-A.
Other names: c.1284G>A, p.Trp428Ter (NM_001287246.2, NM_001287247.2); c.159G>A, p.Trp53Ter (NM_001287248.2); short protein forms W428*, W53*.
Identifiers: ClinVar variation 371048 (VCV000371048.19), dbSNP rs1057516964, ClinGen allele CA16041769.
Genomic context (GRCh38, chr15:90,760,657, plus strand): 5'-GAAACTTCTAACGGAAGTAGATTTTAATAAAAGTGATGCCAGTCTTCTTGGCTCATTGTG[G>A]AGATACAGGCCTGATTCACTTGATGGCCCTATGGAGGGTGATTCCTGCCCTACAGGGAAT-3'

ClinVar aggregate classification (germline): Pathogenic. Review status: criteria provided, multiple submitters, no conflicts (2 of 4 stars). 5 submissions from 5 submitters: Pathogenic (3). 2 of the submissions do not count toward it. Last evaluated 2024-11-13.

Conditions:
Bloom syndrome (BLM). Also called: Bloom-Torre-Machacek syndrome. Identifiers: Orphanet 125, MedGen C0005859, MONDO:0008876, OMIM 210900.

Allele frequency attached by ClinVar (database versions not stated): TOPMed below 0.00001; gnomAD 0.00001; gnomAD exomes 0.00001.
gnomAD v4.1: 6 of 1,613,288 alleles (0.00037%); highest among the groups gnomAD compares: Non-Finnish European, 0.00051%; no homozygotes.

Submissions (5):

Labcorp Genetics (formerly Invitae), Labcorp
Classification: Pathogenic for Bloom syndrome. Last evaluated: 2024-11-13. Review status: criteria provided, single submitter. Criteria: Invitae Variant Classification Sherloc (09022015). Collection method: clinical testing. Allele origin: germline.
Comment: This sequence change creates a premature translational stop signal (p.Trp428*) in the BLM gene. It is expected to result in an absent or disrupted protein product. Loss-of-function variants in BLM are known to be pathogenic (PMID: 17407155). This variant is not present in population databases (gnomAD no frequency). This premature translational stop signal has been observed in individual(s) with Bloom syndrome (PMID: 17407155, 29098565). ClinVar contains an entry for this variant (Variation ID: 371048). For these reasons, this variant has been classified as Pathogenic.

Institute of Human Genetics, University of Leipzig Medical Center
Classification: Pathogenic for Bloom syndrome. Last evaluated: 2019-01-01. Review status: criteria provided, single submitter. Criteria: ACMG Guidelines, 2015. Collection method: clinical testing. Allele origin: unknown. Affected: yes.
Comment: This variant was identified as compound heterozygous.

Women's Health and Genetics/Laboratory Corporation of America, LabCorp
Classification: Pathogenic for Bloom syndrome. Last evaluated: 2017-12-29. Review status: criteria provided, single submitter. Criteria: LabCorp Variant Classification Summary - May 2015. Collection method: clinical testing. Allele origin: germline.
Comment: Variant summary: The BLM c.1284G>A (p.Trp428X) variant results in a premature termination codon, predicted to cause a truncated or absent BLM protein due to nonsense mediated decay, which are commonly known mechanisms for disease. Truncations downstream of this position have been classified as pathogenic by our laboratory (e.g. c.1544delA (p.Asn515fsX16), c.1642C>T (p.Gln548X), and c.1933C>T (p.Gln645X)). This variant is absent in 245796 control chromosomes (gnomAD). A publication, German_2007, cites the variant in two compound heterozygote Bloom Syndrome patients. In addition, a clinical diagnostic laboratory classified this variant as likely pathogenic. Taken together, this variant is classified as pathogenic.

Natera, Inc.
Classification: Pathogenic for Bloom syndrome. Last evaluated: 2017-03-16. Review status: no assertion criteria provided. Collection method: clinical testing. Allele origin: germline. Not counted in ClinVar's aggregate classification.

Counsyl
Classification: Likely pathogenic for Bloom syndrome. Last evaluated: 2016-06-14. Review status: no assertion criteria provided. Collection method: clinical testing. Allele origin: unknown. Not counted in ClinVar's aggregate classification.

Literature cited by the submitters: PubMed 17407155 (cited by 3 submitters); PubMed 29098565 (cited by Labcorp Genetics (formerly Invitae), Labcorp and Women's Health and Genetics/Laboratory Corporation of America, LabCorp); PubMed 25525159 (cited by Counsyl).